The following is an entry in ClinVar:

NM_001388453.1(QRICH2):c.5451G>A (p.Gln1817=)

Gene: QRICH2 (glutamine rich 2; minus strand). Cytogenetic location: 17q25.1.
Variant type: single nucleotide variant.
Coding change: c.5451G>A on transcript NM_001388453.1 (MANE Select); coding-DNA position 5451, G replaced by A.
Protein change: p.Gln1817=; no amino-acid change (glutamine 1817 retained).
Molecular consequence: synonymous variant. On other transcripts: non-coding transcript variant (1).
Genome position (GRCh38, 1-based): chr17:76,275,850, C>T on the plus strand (G>A on the coding strand, the complement: QRICH2 is on the minus strand). VCF-style: chr17-76275850-C-T. GRCh37 (hg19) VCF-style: chr17-74271931-C-T.
Other names: c.5451G>A, p.Gln1817= (NM_032134.3).
Identifiers: ClinVar variation 3043430 (VCV003043430.2), dbSNP rs555758869, ClinGen allele CA8783100.
Genomic context (GRCh38, chr17:76,275,850, plus strand): 5'-GCAGGACGCCCCACCCAGAGGGAAGCTACCTGAGGTGTTGCCAGCCGAAATCTGGGCGCT[C>T]TGTGGCCGAGAGGGCAGCTGGCCATTGCTGCTGAGGGATGGCGGCCTGTGCACGTGGGGC-3'
Protein context (NP_001375382.1, residues 1807-1827): SSNGQLPSRP[Gln1817=]SAQISAGNTS

ClinVar aggregate classification (germline): Likely benign (0 of 4 stars; one submission).

Conditions:
QRICH2-related disorder. Also called: QRICH2-related condition.

Allele frequency attached by ClinVar (database versions not stated): TOPMed 0.00001; gnomAD 0.00003; 1000 Genomes Project 30x 0.00016; 1000 Genomes Project 0.00020; ExAC 0.00023.

Submission:

PreventionGenetics, part of Exact Sciences
Classification: Likely benign for QRICH2-related condition. Last evaluated: 2019-06-28. Review status: no assertion criteria provided. Collection method: clinical testing. Allele origin: germline.
Comment: This variant is classified as likely benign based on ACMG/AMP sequence variant interpretation guidelines (Richards et al. 2015 PMID: 25741868, with internal and published modifications).